The following is an entry in ClinVar:

ClinVar aggregate classification (germline): Likely pathogenic (1 of 4 stars; one submission).

Submission:

GeneDx
Classification: Likely pathogenic. Last evaluated: 2017-08-08. Review status: criteria provided, single submitter. Criteria: GeneDx Variant Classification (06012015). Collection method: clinical testing. Allele origin: germline. Affected: yes.
Comment: The c.854_871del18 variant has not been published as a pathogenic variant, nor has it been reported as a benign variant to our knowledge. The variant results in an in-frame deletion of 6 amino acids. It is not observed in large population cohorts (Lek et al., 2016; 1000 Genomes Consortium et al., 2015; Exome Variant Server). In silico analysis predicts this variant is probably damaging to the protein structure/function. In summary, this variant is likely pathogenic; however, the possibility that it is benign cannot be excluded.

NM_203475.3(PORCN):c.854_871del (p.Thr285_Leu290del)

Gene: PORCN (porcupine O-acyltransferase; plus strand). Cytogenetic location: Xp11.23.
Variant type: Deletion.
Coding change: c.854_871del on transcript NM_203475.3 (MANE Select); coding-DNA positions 854 to 871, 18 bases deleted (CGGTGTCCAAGCCACTGA).
Protein change: p.Thr285_Leu290del.
Molecular consequence: inframe deletion.
Genome position (GRCh38, 1-based): chrX:48,514,533-48,514,550, CGGTGTCCAAGCCACTGA deleted; deleting any 18 consecutive bases within chrX:48,514,529-48,514,550 gives the same sequence; the c. name uses the placement nearest the transcript's 3' end. VCF-style (leftmost placement, unchanged base first): chrX-48514528-CCTGACGGTGTCCAAGCCA-C. GRCh37 (hg19) VCF-style: chrX-48372916-CCTGACGGTGTCCAAGCCA-C.
Other names: c.608_625del, p.Thr203_Leu208del (NM_001282167.2); c.821_838del, p.Thr274_Leu279del (NM_022825.4); c.839_856del, p.Thr280_Leu285del (NM_203473.3); c.836_853del, p.Thr279_Leu284del (NM_203474.1).
Identifiers: ClinVar variation 451299 (VCV000451299.2), dbSNP rs1556974804, ClinGen allele CA658658982.